The following is an entry in ClinVar:

ClinVar aggregate classification (germline): Uncertain significance (1 of 4 stars; one submission).

Conditions:
Cowden syndrome 6 (CWS6). Identifiers: Orphanet 201, MedGen C3554519, MONDO:0014048, OMIM 615109.

Allele frequency attached by ClinVar (database versions not stated): gnomAD exomes below 0.00001.
gnomAD v4.1: 1 of 1,614,106 alleles (0.000062%); no homozygotes.

Submission:

Labcorp Genetics (formerly Invitae), Labcorp
Classification: Uncertain significance for Cowden syndrome 6. Last evaluated: 2023-10-23. Review status: criteria provided, single submitter. Criteria: Invitae Variant Classification Sherloc (09022015). Collection method: clinical testing. Allele origin: germline.
Comment: This sequence change replaces isoleucine, which is neutral and non-polar, with phenylalanine, which is neutral and non-polar, at codon 449 of the AKT1 protein (p.Ile449Phe). This variant is not present in population databases (gnomAD no frequency). This variant has not been reported in the literature in individuals affected with AKT1-related conditions. An algorithm developed to predict the effect of missense changes on protein structure and function (PolyPhen-2) suggests that this variant is likely to be disruptive. In summary, the available evidence is currently insufficient to determine the role of this variant in disease. Therefore, it has been classified as a Variant of Uncertain Significance.

NM_001382430.1(AKT1):c.1345A>T (p.Ile449Phe)

Gene: AKT1 (AKT serine/threonine kinase 1; minus strand). Cytogenetic location: 14q32.33.
Variant type: single nucleotide variant.
Coding change: c.1345A>T on transcript NM_001382430.1 (MANE Select); coding-DNA position 1345, A replaced by T.
Protein change: p.Ile449Phe; replaces isoleucine 449 with phenylalanine.
Molecular consequence: missense variant.
Genome position (GRCh38, 1-based): chr14:104,770,763, T>A on the plus strand (A>T on the coding strand, the complement: AKT1 is on the minus strand). VCF-style: chr14-104770763-T-A. GRCh37 (hg19) VCF-style: chr14-105237100-T-A.
Other names: c.1345A>T, p.Ile449Phe (NM_001014431.2, NM_001014432.2, NM_001382431.1 and 3 more transcripts); short protein forms I449F.
Identifiers: ClinVar variation 2771149 (VCV002771149.3), dbSNP rs2542102961, ClinGen allele CA391214423.